The following is an entry in ClinVar:

NM_005591.4(MRE11):c.-105-387C>T

Gene: MRE11 (MRE11 double strand break repair nuclease; minus strand). Cytogenetic location: 11q21.
Variant type: single nucleotide variant.
Coding change: c.-105-387C>T on transcript NM_005591.4 (MANE Select); 387 bases into the intron before 105 bases upstream of the start codon, C replaced by T.
Molecular consequence: intron variant.
Genome position (GRCh38, 1-based): chr11:94,493,293, G>A on the plus strand (C>T on the coding strand, the complement: MRE11 is on the minus strand). VCF-style: chr11-94493293-G-A. GRCh37 (hg19) VCF-style: chr11-94226459-G-A.
Other names: c.-105-387C>T (NM_001330347.2, NM_005590.4).
Identifiers: ClinVar variation 60644 (VCV000060644.1), dbSNP rs397509350, ClinGen allele CA144582.

ClinVar aggregate classification (germline): other (0 of 4 stars; one submission).

Conditions:
Malignant tumor of urinary bladder. Also called: Urinary bladder cancer; Urinary Bladder Neoplasms; Bladder cancer. Identifiers: MedGen C0005684, MONDO:0001187, OMIM 109800.

Allele frequency attached by ClinVar (database versions not stated): 1000 Genomes Project 0.00060; 1000 Genomes Project 30x 0.00062; TOPMed 0.00105; gnomAD 0.00159 and 0.00168.
gnomAD v4.1: 240 of 152,294 alleles (0.16%); highest among the groups gnomAD compares: Non-Finnish European, 0.26%; 1 homozygote.

Submission:

Gray Institute for Radiation Oncology & Biology, University of Oxford
Classification: other. Review status: no assertion criteria provided. Collection method: not provided. Allele origin: germline.
Comment: Detected by next-generation sequencing & confirmed by Sanger sequencing